The following is an entry in ClinVar:

ClinVar aggregate classification (germline): Uncertain significance (1 of 4 stars; one submission).

Conditions:
Myoclonic dystonia 11 (DYT11). Also called: DYT-SGCE; Myoclonic dystonia; Dystonia 11; Dystonia, alcohol responsive; Hereditary essential myoclonus; SGCE Myoclonus-Dystonia. Identifiers: Orphanet 36899, MedGen C1834570, MONDO:0008044, OMIM 159900.

Submission:

Labcorp Genetics (formerly Invitae), Labcorp
Classification: Uncertain significance for Myoclonic dystonia 11. Last evaluated: 2022-06-27. Review status: criteria provided, single submitter. Criteria: Invitae Variant Classification Sherloc (09022015). Collection method: clinical testing. Allele origin: germline.
Comment: This sequence change replaces methionine, which is neutral and non-polar, with lysine, which is basic and polar, at codon 174 of the SGCE protein (p.Met174Lys). This variant is not present in population databases (gnomAD no frequency). This variant has not been reported in the literature in individuals affected with SGCE-related conditions. Algorithms developed to predict the effect of missense changes on protein structure and function are either unavailable or do not agree on the potential impact of this missense change (SIFT: "Deleterious"; PolyPhen-2: "Benign"; Align-GVGD: "Class C0"). In summary, the available evidence is currently insufficient to determine the role of this variant in disease. Therefore, it has been classified as a Variant of Uncertain Significance.

NM_003919.3(SGCE):c.521T>A (p.Met174Lys)

Genes: CASD1 (CAS1 domain sialic acid O acetyltransferase 1; plus strand), SGCE (sarcoglycan epsilon; minus strand). Cytogenetic location: 7q21.3.
Variant type: single nucleotide variant.
Coding change: c.521T>A on transcript NM_003919.3 (MANE Select); coding-DNA position 521, T replaced by A.
Protein change: p.Met174Lys; replaces methionine 174 with lysine.
Molecular consequence: missense variant.
Genome position (GRCh38, 1-based): chr7:94,618,899, A>T on the plus strand (T>A on the coding strand, the complement: SGCE is on the minus strand). VCF-style: chr7-94618899-A-T. GRCh37 (hg19) VCF-style: chr7-94248211-A-T.
Other names: c.521T>A, p.Met174Lys (NM_001099400.2, NM_001099401.2, NM_001346717.2); c.398T>A, p.Met133Lys (NM_001301139.2, NM_001362809.2); c.629T>A, p.Met210Lys (NM_001346713.2, NM_001346715.2); c.434T>A, p.Met145Lys (NM_001346719.2, NM_001362807.2); c.248T>A, p.Met83Lys (NM_001346720.2, NM_001362808.2); short protein forms M133K, M145K, M210K, M83K, M174K.
Identifiers: ClinVar variation 2011324 (VCV002011324.4), dbSNP rs752764608, ClinGen allele CA368235767.